The following is an entry in ClinVar:

NM_003737.4(DCHS1):c.7208G>C (p.Arg2403Pro)

Gene: DCHS1 (dachsous cadherin-related 1; minus strand). Cytogenetic location: 11p15.4.
Variant type: single nucleotide variant.
Coding change: c.7208G>C on transcript NM_003737.4 (MANE Select); coding-DNA position 7208, G replaced by C.
Protein change: p.Arg2403Pro; replaces arginine 2403 with proline.
Molecular consequence: missense variant.
Genome position (GRCh38, 1-based): chr11:6,624,807, C>G on the plus strand (G>C on the coding strand, the complement: DCHS1 is on the minus strand). VCF-style: chr11-6624807-C-G. GRCh37 (hg19) VCF-style: chr11-6646038-C-G.
Other names: short protein forms R2403P.
Identifiers: ClinVar variation 3725441 (VCV003725441.2).
Genomic context (GRCh38, chr11:6,624,807, plus strand): 5'-CTGAAGCCATCGGCAGGGGAAGCCAGGTGGTAGGAAATGTGACCGTTGGCACCTGAGTCC[C>G]GATCAGTGGCAGAGACGGAGAGAATGGCACTGCCTGGGGGTGTGTGCTCAAGCAGCATTA-3'
Protein context (NP_003728.1, residues 2393-2413): SAILSVSATD[Arg2403Pro]DSGANGHISY

ClinVar aggregate classification (germline): Uncertain significance (1 of 4 stars; one submission).

Submission:

Labcorp Genetics (formerly Invitae), Labcorp
Classification: Uncertain significance. Last evaluated: 2024-11-17. Review status: criteria provided, single submitter. Criteria: Invitae Variant Classification Sherloc (09022015). Collection method: clinical testing. Allele origin: germline.
Comment: This sequence change replaces arginine, which is basic and polar, with proline, which is neutral and non-polar, at codon 2403 of the DCHS1 protein (p.Arg2403Pro). This variant is not present in population databases (gnomAD no frequency). This variant has not been reported in the literature in individuals affected with DCHS1-related conditions. An algorithm developed to predict the effect of missense changes on protein structure and function (PolyPhen-2) suggests that this variant is likely to be tolerated. In summary, the available evidence is currently insufficient to determine the role of this variant in disease. Therefore, it has been classified as a Variant of Uncertain Significance.